The following is an entry in ClinVar:

ClinVar aggregate classification (germline): Conflicting classifications of pathogenicity. Review status: criteria provided, conflicting classifications (1 of 4 stars). 3 submissions from 3 submitters: Uncertain significance (2); Likely benign (1). Last evaluated 2023-02-27.

Conditions:
Hereditary cancer-predisposing syndrome. Also called: Hereditary neoplastic syndrome; Neoplastic Syndromes, Hereditary; Tumor predisposition; Hereditary Cancer Syndrome. Identifiers: Orphanet 140162, MedGen C0027672, MeSH D009386, MONDO:0015356.
Ataxia-telangiectasia syndrome (AT). Also called: LOUIS-BAR SYNDROME; Cerebello-oculocutaneous telangiectasia; Immunodeficiency with ataxia telangiectasia; AT, COMPLEMENTATION GROUP C; Ataxia-telangiectasia, complementation group D; ATAXIA-TELANGIECTASIA, COMPLEMENTATION GROUP A. Identifiers: Orphanet 100, MedGen C0004135, MONDO:0008840, OMIM 208900.

Allele frequency attached by ClinVar (database versions not stated): gnomAD exomes below 0.00001; ExAC 0.00001.

Submissions (3):

GeneDx
Classification: Uncertain significance. Last evaluated: 2023-02-27. Review status: criteria provided, single submitter. Criteria: GeneDx Variant Classification Process June 2021. Collection method: clinical testing. Allele origin: germline. Affected: yes.
Comment: Not observed at significant frequency in large population cohorts (gnomAD); In silico analysis supports that this missense variant does not alter protein structure/function; Has not been previously published as pathogenic or benign to our knowledge

Labcorp Genetics (formerly Invitae), Labcorp
Classification: Uncertain significance for Ataxia-telangiectasia syndrome. Last evaluated: 2022-03-28. Review status: criteria provided, single submitter. Criteria: Invitae Variant Classification Sherloc (09022015). Collection method: clinical testing. Allele origin: germline.
Comment: This sequence change replaces cysteine, which is neutral and slightly polar, with tyrosine, which is neutral and polar, at codon 141 of the ATM protein (p.Cys141Tyr). This variant is present in population databases (rs745890227, gnomAD 0.0009%). This variant has not been reported in the literature in individuals affected with ATM-related conditions. ClinVar contains an entry for this variant (Variation ID: 482556). Advanced modeling of protein sequence and biophysical properties (such as structural, functional, and spatial information, amino acid conservation, physicochemical variation, residue mobility, and thermodynamic stability) performed at Invitae indicates that this missense variant is not expected to disrupt ATM protein function. In summary, the available evidence is currently insufficient to determine the role of this variant in disease. Therefore, it has been classified as a Variant of Uncertain Significance.

Ambry Genetics
Classification: Likely benign for Hereditary cancer-predisposing syndrome. Last evaluated: 2016-01-19. Review status: criteria provided, single submitter. Criteria: Ambry Variant Classification Scheme 2023. Collection method: clinical testing. Allele origin: germline.

NM_000051.4(ATM):c.422G>A (p.Cys141Tyr)

Gene: ATM (ATM serine/threonine kinase; plus strand). Cytogenetic location: 11q22.3.
Variant type: single nucleotide variant.
Coding change: c.422G>A on transcript NM_000051.4 (MANE Select); coding-DNA position 422, G replaced by A.
Protein change: p.Cys141Tyr; replaces cysteine 141 with tyrosine.
Molecular consequence: missense variant.
Genome position (GRCh38, 1-based): chr11:108,235,760, G>A. VCF-style: chr11-108235760-G-A. GRCh37 (hg19) VCF-style: chr11-108106487-G-A.
Other names: c.422G>A, p.Cys141Tyr (NM_001351834.2); short protein forms C141Y.
Identifiers: ClinVar variation 482556 (VCV000482556.12), dbSNP rs745890227, ClinGen allele CA6264606.